The following is an entry in ClinVar:

ClinVar aggregate classification (germline): Uncertain significance (1 of 4 stars; one submission).

Conditions:
Menkes kinky-hair syndrome (MNK). Also called: Copper transport disease; Menkes Disease; Classic Menkes Disease. Identifiers: Orphanet 565, MedGen C0022716, MONDO:0010651, OMIM 309400.
X-linked distal spinal muscular atrophy type 3. Also called: ATP7A-Related Distal Motor Neuropathy; SPINAL MUSCULAR ATROPHY, DISTAL, X-LINKED RECESSIVE; NEURONOPATHY, DISTAL HEREDITARY MOTOR, X-LINKED; NEUROPATHY, DISTAL HEREDITARY MOTOR, X-LINKED. Identifiers: Orphanet 139557, MedGen C1845359, MONDO:0010338, OMIM 300489.
Cutis laxa, X-linked (OHS). Also called: EDS IX; Occipital horn syndrome. Identifiers: Orphanet 198, MedGen C0268353, MONDO:0010572, OMIM 304150.

Submission:

Labcorp Genetics (formerly Invitae), Labcorp
Classification: Uncertain significance for X-linked distal spinal muscular atrophy type 3; Cutis laxa, X-linked; Menkes kinky-hair syndrome. Last evaluated: 2024-07-08. Review status: criteria provided, single submitter. Criteria: Invitae Variant Classification Sherloc (09022015). Collection method: clinical testing. Allele origin: germline.
Comment: This sequence change falls in intron 3 of the ATP7A gene. It does not directly change the encoded amino acid sequence of the ATP7A protein. It affects a nucleotide within the consensus splice site. This variant is not present in population databases (gnomAD no frequency). This variant has not been reported in the literature in individuals affected with ATP7A-related conditions. Variants that disrupt the consensus splice site are a relatively common cause of aberrant splicing (PMID: 17576681, 9536098). Algorithms developed to predict the effect of sequence changes on RNA splicing suggest that this variant is not likely to affect RNA splicing. In summary, the available evidence is currently insufficient to determine the role of this variant in disease. Therefore, it has been classified as a Variant of Uncertain Significance.

Literature cited by the submitters: PubMed 17576681; PubMed 9536098.

NM_000052.7(ATP7A):c.610+5T>C

Gene: ATP7A (ATPase copper transporting alpha; plus strand). Cytogenetic location: Xq21.1.
Variant type: single nucleotide variant.
Coding change: c.610+5T>C on transcript NM_000052.7 (MANE Select); 5 bases into the intron after coding-DNA position 610, T replaced by C.
Molecular consequence: intron variant.
Genome position (GRCh38, 1-based): chrX:77,988,736, T>C. VCF-style: chrX-77988736-T-C. GRCh37 (hg19) VCF-style: chrX-77244232-T-C.
Other names: c.610+5T>C (NM_001282224.2).
Identifiers: ClinVar variation 3757180 (VCV003757180.2).
Genomic context (GRCh38, chrX:77,988,736, plus strand): 5'-TACTAGCACTATTGAAGGAAAAATTGGGAAACTGCAAGGTGTTCAGCGAATTAAAGGTAA[T>C]GTGTCTGGTGTTGATTGTTTTGTAAGGCTTAGGTGTCTGTTTTGATCTTTTAACTTTTTG-3'